The following is an entry in ClinVar:

NM_032043.3(BRIP1):c.3430G>C (p.Glu1144Gln)

Gene: BRIP1 (BRCA1 interacting DNA helicase 1; minus strand). Cytogenetic location: 17q23.2.
Variant type: single nucleotide variant.
Coding change: c.3430G>C on transcript NM_032043.3 (MANE Select); coding-DNA position 3430, G replaced by C.
Protein change: p.Glu1144Gln; replaces glutamic acid 1144 with glutamine.
Molecular consequence: missense variant.
Genome position (GRCh38, 1-based): chr17:61,683,616, C>G on the plus strand (G>C on the coding strand, the complement: BRIP1 is on the minus strand). VCF-style: chr17-61683616-C-G. GRCh37 (hg19) VCF-style: chr17-59760977-C-G.
Other names: short protein forms E1144Q.
Identifiers: ClinVar variation 2922129 (VCV002922129.3), dbSNP rs1279870189, ClinGen allele CA400478744.

ClinVar aggregate classification (germline): Uncertain significance (1 of 4 stars; one submission).

Conditions:
Fanconi anemia complementation group J. Also called: BRIP1-Related Fanconi Anemia. Identifiers: Orphanet 84, MedGen C1836860, MONDO:0012187, OMIM 609054.
Familial cancer of breast. Also called: hereditary breast carcinoma; BREAST CANCER, FAMILIAL; Hereditary breast cancer. Identifiers: Orphanet 227535, MedGen C0346153, MONDO:0016419, OMIM 114480. Disease mechanism: loss of function.

Submission:

Labcorp Genetics (formerly Invitae), Labcorp
Classification: Uncertain significance for Familial cancer of breast; Fanconi anemia complementation group J. Last evaluated: 2024-01-11. Review status: criteria provided, single submitter. Criteria: Invitae Variant Classification Sherloc (09022015). Collection method: clinical testing. Allele origin: germline.
Comment: This sequence change replaces glutamic acid, which is acidic and polar, with glutamine, which is neutral and polar, at codon 1144 of the BRIP1 protein (p.Glu1144Gln). This variant is not present in population databases (gnomAD no frequency). This variant has not been reported in the literature in individuals affected with BRIP1-related conditions. An algorithm developed to predict the effect of missense changes on protein structure and function (PolyPhen-2) suggests that this variant is likely to be disruptive. In summary, the available evidence is currently insufficient to determine the role of this variant in disease. Therefore, it has been classified as a Variant of Uncertain Significance.